The following is an entry in ClinVar:

ClinVar aggregate classification (germline): Uncertain significance (1 of 4 stars; one submission).

Conditions:
Cardiovascular phenotype. Identifiers: MedGen CN230736.

Allele frequency attached by ClinVar (database versions not stated): ExAC 0.00001.

Submission:

Ambry Genetics
Classification: Uncertain significance for Cardiovascular phenotype. Last evaluated: 2023-11-02. Review status: criteria provided, single submitter. Criteria: Ambry Variant Classification Scheme 2023. Collection method: clinical testing. Allele origin: germline.
Comment: The p.R427L variant (also known as c.1280G>T), located in coding exon 5 of the ALPK3 gene, results from a G to T substitution at nucleotide position 1280. The arginine at codon 427 is replaced by leucine, an amino acid with dissimilar properties. This amino acid position is conserved. In addition, the in silico prediction for this alteration is inconclusive. Since supporting evidence is limited at this time, the clinical significance of this alteration remains unclear.

NM_020778.5(ALPK3):c.674G>T (p.Arg225Leu)

Gene: ALPK3 (alpha kinase 3; plus strand). Cytogenetic location: 15q25.3.
Variant type: single nucleotide variant.
Coding change: c.674G>T on transcript NM_020778.5 (MANE Select); coding-DNA position 674, G replaced by T.
Protein change: p.Arg225Leu; replaces arginine 225 with leucine.
Molecular consequence: missense variant.
Genome position (GRCh38, 1-based): chr15:84,839,953, G>T. VCF-style: chr15-84839953-G-T. GRCh37 (hg19) VCF-style: chr15-85383184-G-T.
Other names: short protein forms R225L.
Identifiers: ClinVar variation 3227442 (VCV003227442.1), dbSNP rs761722907, ClinGen allele CA7709034.